The following is an entry in ClinVar:

NM_153460.4(IL17RC):c.691C>T (p.Gln231Ter)

Gene: IL17RC (interleukin 17 receptor C; plus strand). Cytogenetic location: 3p25.3.
Variant type: single nucleotide variant.
Coding change: c.691C>T on transcript NM_153460.4 (MANE Select); coding-DNA position 691, C replaced by T.
Protein change: p.Gln231Ter; replaces glutamine 231 with a stop codon.
Molecular consequence: nonsense. On other transcripts: non-coding transcript variant (1).
Genome position (GRCh38, 1-based): chr3:9,923,949, C>T. VCF-style: chr3-9923949-C-T. GRCh37 (hg19) VCF-style: chr3-9965633-C-T.
Other names: c.691C>T, p.Gln231Ter (NM_001203263.2, NM_001203264.2, NM_001367278.1); c.646C>T, p.Gln216Ter (NM_001203265.2, NM_001367280.1, NM_001410711.1 and 1 more transcripts); c.571C>T, p.Gln191Ter (NM_001367279.1); c.904C>T, p.Gln302Ter (NM_153461.4); short protein forms Q302*, Q191*, Q216*, Q231*.
Identifiers: ClinVar variation 4728581 (VCV004728581.1).

ClinVar aggregate classification (germline): Uncertain significance (1 of 4 stars; one submission).

Conditions:
Candidiasis, familial, 9 (CANDF9). Identifiers: Orphanet 1334, MedGen C4225324, MONDO:0014642, OMIM 616445.

Submission:

Labcorp Genetics (formerly Invitae), Labcorp
Classification: Uncertain significance for Candidiasis, familial, 9. Last evaluated: 2025-10-06. Review status: criteria provided, single submitter. Criteria: Invitae Variant Classification Sherloc (09022015). Collection method: clinical testing. Allele origin: germline.
Comment: This sequence change creates a premature translational stop signal (p.Gln302*) in the IL17RC gene. It is expected to result in an absent or disrupted protein product. However, the current clinical and genetic evidence is not sufficient to establish whether loss-of-function variants in IL17RC cause disease. This variant is not present in population databases (gnomAD no frequency). This variant has not been reported in the literature in individuals affected with IL17RC-related conditions. In summary, the available evidence is currently insufficient to determine the role of this variant in disease. Therefore, it has been classified as a Variant of Uncertain Significance.